The following is an entry in ClinVar:

NM_000297.4(PKD2):c.2814A>G (p.Gln938=)

Gene: PKD2 (polycystin 2, transient receptor potential cation channel; plus strand). Cytogenetic location: 4q22.1.
Variant type: single nucleotide variant.
Coding change: c.2814A>G on transcript NM_000297.4 (MANE Select); coding-DNA position 2814, A replaced by G.
Protein change: p.Gln938=; no amino-acid change (glutamine 938 retained).
Molecular consequence: synonymous variant. On other transcripts: non-coding transcript variant (1).
Genome position (GRCh38, 1-based): chr4:88,075,601, A>G. VCF-style: chr4-88075601-A-G. GRCh37 (hg19) VCF-style: chr4-88996753-A-G.
Identifiers: ClinVar variation 350031 (VCV000350031.20), dbSNP rs573469832, ClinGen allele CA3004366.
Genomic context (GRCh38, chr4:88,075,601, plus strand): 5'-CGATGATGCAGCTTCCCAGATCAGTCATGGTTTAGGCACGCCAGTGGGACTAAATGGTCA[A>G]CCTCGCCCCAGAAGCTCCCGCCCATCTTCCTCCCAATCTACAGAAGGCATGGAAGGTGCA-3'
Protein context (NP_000288.1, residues 928-948): GLGTPVGLNG[Gln938=]PRPRSSRPSS

ClinVar aggregate classification (germline): Benign/Likely benign. Review status: criteria provided, multiple submitters, no conflicts (2 of 4 stars). 5 submissions from 5 submitters: Benign (1); Likely benign (2). 2 of the submissions do not count toward it. Last evaluated 2026-01-29.

Conditions:
PKD2-related disorder. Also called: PKD2-related condition.
Polycystic kidney disease 2 (PKD2). Also called: POLYCYSTIC KIDNEY DISEASE 2 WITH OR WITHOUT POLYCYSTIC LIVER DISEASE; Polycystic Kidney Disease 2, Autosomal Dominant; POLYCYSTIC KIDNEY DISEASE, ADULT, TYPE II. Identifiers: MedGen C2751306, MONDO:0013131, OMIM 613095.
Autosomal dominant polycystic kidney disease. Identifiers: Orphanet 730, MedGen C0085413, MONDO:0004691.
Polycystic kidney disease. Also called: Polycystic kidney dysplasia; Kidney, Polycystic. Identifiers: MedGen C0022680, MeSH D007690, MONDO:0020642, HP:0000113.

Allele frequency attached by ClinVar (database versions not stated): gnomAD exomes 0.00130 and 0.00063; ExAC 0.00137; 1000 Genomes Project 30x 0.00281; 1000 Genomes Project 0.00319; TOPMed 0.00007; gnomAD 0.00008 and 0.00039.
gnomAD v4.1: 974 of 1,614,158 alleles (0.06%); highest among the groups gnomAD compares: South Asian, 1%; 7 homozygotes.

Submissions (5):

Labcorp Genetics (formerly Invitae), Labcorp
Classification: Benign for Autosomal dominant polycystic kidney disease. Last evaluated: 2026-01-29. Review status: criteria provided, single submitter. Criteria: Invitae Variant Classification Sherloc (09022015). Collection method: clinical testing. Allele origin: germline.

Blueprint Genetics
Classification: Likely benign. Last evaluated: 2024-09-30. Review status: criteria provided, single submitter. Criteria: ACMG Guidelines, 2015. Collection method: clinical testing. Allele origin: germline.

Illumina Laboratory Services, Illumina
Classification: Likely benign for Polycystic kidney disease 2. Last evaluated: 2018-01-13. Review status: criteria provided, single submitter. Criteria: ICSL Variant Classification Criteria 13 December 2019. Collection method: clinical testing. Allele origin: germline.
Comment: This variant was observed in the ICSL laboratory as part of a predisposition screen in an ostensibly healthy population. It had not been previously curated by ICSL or reported in the Human Gene Mutation Database (HGMD: prior to June 1st, 2018), and was therefore a candidate for classification through an automated scoring system. Utilizing variant allele frequency, disease prevalence and penetrance estimates, and inheritance mode, an automated score was calculated to assess if this variant is too frequent to cause the disease. Based on the score and internal cut-off values, a variant classified as likely benign is not then subjected to further curation. The score for this variant resulted in a classification of likely benign for this disease.

PreventionGenetics, part of Exact Sciences
Classification: Benign for PKD2-related condition. Last evaluated: 2019-06-07. Review status: no assertion criteria provided. Collection method: clinical testing. Allele origin: germline. Not counted in ClinVar's aggregate classification.
Comment: This variant is classified as benign based on ACMG/AMP sequence variant interpretation guidelines (Richards et al. 2015 PMID: 25741868, with internal and published modifications).

Department of Pathology and Laboratory Medicine, Sinai Health System
Classification: Likely benign for Polycystic Kidney disease. Review status: no assertion criteria provided. Collection method: clinical testing. Allele origin: unknown. Affected: yes. Study: The Canadian Open Genetics Repository (COGR). Not counted in ClinVar's aggregate classification.
Comment: The PKD2 p.Gln938= variant was not identified in the literature nor was it identified in the COGR, LOVD 3.0 or PKD1-LOVD databases. The variant was identified in dbSNP (ID: rs573469832) as â€šÃ„ÃºWith Uncertain significance alleleâ€šÃ„Ã¹, ClinVar (classified as uncertain significance by Illumina), and ADPKD Mutation Database (classified as likely neutral). The variant was identified in control databases in 332 of 277086 chromosomes (1 homozygous) at a frequency of 0.001 increasing the likelihood this could be a low frequency benign variant in certain populations of origin (Genome Aggregation Database Feb 27, 2017). It was observed in the following populations: South Asian in 319 of 30780 chromosomes (freq: 0.01), African in 1 of 24034 chromosomes (freq: 0.00004), Other in 2 of 6464 chromosomes (freq: 0.0003), Latino in 6 of 34414 chromosomes (freq: 0.0002), and European Non-Finnish in 4 of 126596 chromosomes (freq: 0.00003); it was not observed in the Ashkenazi Jewish, East Asian, or European Finnish populations. The p.Gln938= variant is not expected to have clinical significance because it does not result in a change of amino acid and is not located in a known consensus splice site. In summary, based on the above information the clinical significance of this variant cannot be determined with certainty at this time although we would lean towards a more benign role for this variant. This variant is classified as likely benign.